The following is an entry in ClinVar:

ClinVar aggregate classification (germline): Conflicting classifications of pathogenicity. Review status: criteria provided, conflicting classifications (1 of 4 stars). 4 submissions from 4 submitters: Uncertain significance (3); Likely benign (1). Last evaluated 2024-09-26.

Conditions:
Hereditary cancer-predisposing syndrome. Also called: Neoplastic Syndromes, Hereditary; Tumor predisposition; Hereditary Cancer Syndrome; Hereditary neoplastic syndrome. Identifiers: Orphanet 140162, MedGen C0027672, MeSH D009386, MONDO:0015356.
Familial adenomatous polyposis 1 (FAP1). Also called: FAMILIAL ADENOMATOUS POLYPOSIS 1, ATTENUATED; POLYPOSIS, ADENOMATOUS INTESTINAL. Identifiers: MedGen C2713442, MONDO:0021056, OMIM 175100. Disease mechanism: loss of function.

Allele frequency attached by ClinVar (database versions not stated): gnomAD exomes below 0.00001; TOPMed below 0.00001; gnomAD 0.00001.
gnomAD v4.1: 4 of 1,613,926 alleles (0.00025%); highest among the groups gnomAD compares: East Asian, 0.0022%; no homozygotes.

Submissions (4):

Labcorp Genetics (formerly Invitae), Labcorp
Classification: Uncertain significance for Familial adenomatous polyposis 1. Last evaluated: 2024-09-26. Review status: criteria provided, single submitter. Criteria: Invitae Variant Classification Sherloc (09022015). Collection method: clinical testing. Allele origin: germline.
Comment: This sequence change replaces isoleucine, which is neutral and non-polar, with valine, which is neutral and non-polar, at codon 1913 of the APC protein (p.Ile1913Val). This variant is not present in population databases (gnomAD no frequency). This variant has not been reported in the literature in individuals affected with APC-related conditions. ClinVar contains an entry for this variant (Variation ID: 482501). Invitae Evidence Modeling of protein sequence and biophysical properties (such as structural, functional, and spatial information, amino acid conservation, physicochemical variation, residue mobility, and thermodynamic stability) indicates that this missense variant is not expected to disrupt APC protein function with a negative predictive value of 95%. In summary, the available evidence is currently insufficient to determine the role of this variant in disease. Therefore, it has been classified as a Variant of Uncertain Significance.

Color Diagnostics, LLC DBA Color Health
Classification: Uncertain significance for Hereditary cancer-predisposing syndrome. Last evaluated: 2021-11-16. Review status: criteria provided, single submitter. Criteria: ACMG Guidelines, 2015. Collection method: clinical testing. Allele origin: germline.
Comment: This missense variant replaces isoleucine with valine at codon 1913 of the APC protein. Computational prediction suggests that this variant may not impact protein structure and function (internally defined REVEL score threshold <= 0.5, PMID: 27666373). To our knowledge, functional studies have not been reported for this variant. This variant has not been reported in individuals affected with hereditary cancer in the literature. This variant has not been identified in the general population by the Genome Aggregation Database (gnomAD). The available evidence is insufficient to determine the role of this variant in disease conclusively. Therefore, this variant is classified as a Variant of Uncertain Significance.

GeneDx
Classification: Uncertain significance. Last evaluated: 2019-06-24. Review status: criteria provided, single submitter. Criteria: GeneDx Variant Classification Process June 2021. Collection method: clinical testing. Allele origin: germline. Affected: yes.
Comment: Not observed at a significant frequency in large population cohorts (Lek et al., 2016); Has not been previously published as pathogenic or benign to our knowledge

Ambry Genetics
Classification: Likely benign for Hereditary cancer-predisposing syndrome. Last evaluated: 2017-07-20. Review status: criteria provided, single submitter. Criteria: Ambry Variant Classification Scheme 2023. Collection method: clinical testing. Allele origin: germline.

NM_000038.6(APC):c.5737A>G (p.Ile1913Val)

Gene: APC (APC regulator of Wnt signaling pathway; plus strand). Cytogenetic location: 5q22.2.
Variant type: single nucleotide variant.
Coding change: c.5737A>G on transcript NM_000038.6 (MANE Select); coding-DNA position 5737, A replaced by G.
Protein change: p.Ile1913Val; replaces isoleucine 1913 with valine.
Molecular consequence: missense variant.
Genome position (GRCh38, 1-based): chr5:112,841,331, A>G. VCF-style: chr5-112841331-A-G. GRCh37 (hg19) VCF-style: chr5-112177028-A-G.
Other names: c.5737A>G, p.Ile1913Val (NM_001127510.3, NM_001354895.2); c.5683A>G, p.Ile1895Val (NM_001127511.3); c.5791A>G, p.Ile1931Val (NM_001354896.2); c.5767A>G, p.Ile1923Val (NM_001354897.2); c.5662A>G, p.Ile1888Val (NM_001354898.2); c.5653A>G, p.Ile1885Val (NM_001354899.2); c.5614A>G, p.Ile1872Val (NM_001354900.2); c.5560A>G, p.Ile1854Val (NM_001354901.2); and 5 more; short protein forms I1895V, I1913V, I1787V, I1854V, I1931V, I1630V, I1812V, I1885V.
Identifiers: ClinVar variation 482501 (VCV000482501.20), dbSNP rs1554086935, ClinGen allele CA16033891.
Genomic context (GRCh38, chr5:112,841,331, plus strand): 5'-AAAGTTACCAGCCACACAGAACTAACCTCCAACCAACAATCAGCTAATAAGACACAAGCT[A>G]TTGCAAAGCAGCCAATAAATCGAGGTCAGCCTAAACCCATACTTCAGAAACAATCCACTT-3'
Protein context (NP_000029.2, residues 1903-1923): NQQSANKTQA[Ile1913Val]AKQPINRGQP